The following is an entry in ClinVar:

ClinVar aggregate classification (germline): Uncertain significance. Review status: criteria provided, multiple submitters, no conflicts (2 of 4 stars). 2 submissions from 2 submitters: Uncertain significance (2). Last evaluated 2025-10-01.

Conditions:
Inborn genetic diseases. Identifiers: MedGen C0950123, MeSH D030342.

gnomAD v4.1: 8 of 1,613,700 alleles (0.0005%); highest among the groups gnomAD compares: Non-Finnish European, 0.00068%; no homozygotes.

Submissions (2):

Ambry Genetics
Classification: Uncertain significance for Inborn genetic diseases. Last evaluated: 2025-10-01. Review status: criteria provided, single submitter. Criteria: Ambry Variant Classification Scheme 2023. Collection method: clinical testing. Allele origin: germline.
Comment: The p.R344K variant (also known as c.1031G>A), located in coding exon 4 of the GATA2 gene, results from a G to A substitution at nucleotide position 1031. The arginine at codon 344 is replaced by lysine, an amino acid with highly similar properties. This amino acid position is conserved. In addition, this alteration is predicted to be deleterious by in silico analysis. Based on the available evidence, the clinical significance of this variant remains unclear.

Blueprint Genetics
Classification: Uncertain significance. Last evaluated: 2024-08-02. Review status: criteria provided, single submitter. Criteria: ACMG Guidelines, 2015. Collection method: clinical testing. Allele origin: germline.

NM_032638.5(GATA2):c.1031G>A (p.Arg344Lys)

Gene: GATA2 (GATA binding protein 2; minus strand). Cytogenetic location: 3q21.3.
Variant type: single nucleotide variant.
Coding change: c.1031G>A on transcript NM_032638.5 (MANE Select); coding-DNA position 1031, G replaced by A.
Protein change: p.Arg344Lys; replaces arginine 344 with lysine.
Molecular consequence: missense variant. On other transcripts: intron variant (1).
Genome position (GRCh38, 1-based): chr3:128,481,931, C>T on the plus strand (G>A on the coding strand, the complement: GATA2 is on the minus strand). VCF-style: chr3-128481931-C-T. GRCh37 (hg19) VCF-style: chr3-128200774-C-T.
Other names: c.1031G>A, p.Arg344Lys (NM_001145661.2); c.1018-29G>A (NM_001145662.1); short protein forms R344K.
Identifiers: ClinVar variation 4620618 (VCV004620618.2).